The following is an entry in ClinVar:

NM_000159.4(GCDH):c.383G>A (p.Arg128Gln)

Gene: GCDH (glutaryl-CoA dehydrogenase; plus strand). Cytogenetic location: 19p13.13.
Variant type: single nucleotide variant.
Coding change: c.383G>A on transcript NM_000159.4 (MANE Select); coding-DNA position 383, G replaced by A.
Protein change: p.Arg128Gln; replaces arginine 128 with glutamine.
Molecular consequence: missense variant. On other transcripts: non-coding transcript variant (2).
Genome position (GRCh38, 1-based): chr19:12,893,531, G>A. VCF-style: chr19-12893531-G-A. GRCh37 (hg19) VCF-style: chr19-13004345-G-A.
Other names: c.383G>A, p.Arg128Gln (NM_013976.5); short protein forms R128Q.
Identifiers: ClinVar variation 189063 (VCV000189063.26), dbSNP rs755586631, ClinGen allele CA274331.

ClinVar aggregate classification (germline): Pathogenic/Likely pathogenic. Review status: criteria provided, multiple submitters, no conflicts (2 of 4 stars). 9 submissions from 9 submitters: Pathogenic (6); Likely pathogenic (2). 1 of the submissions does not count toward it. Last evaluated 2026-01-20.

Conditions:
Glutaric aciduria, type 1. Also called: GA I; Glutaric Acidemia Type 1; Glutaryl-CoA dehydrogenase deficiency; Glutaric acidemia type I; Glutaricacidemia Type 1; Glutaricaciduria, type I. Identifiers: Orphanet 25, MedGen C0268595, MONDO:0009281, OMIM 231670.

Allele frequency attached by ClinVar (database versions not stated): gnomAD 0.00001; ExAC 0.00002; gnomAD exomes 0.00002; TOPMed 0.00002.

Submissions (9):

Labcorp Genetics (formerly Invitae), Labcorp
Classification: Pathogenic for Glutaric aciduria, type 1. Last evaluated: 2026-01-20. Review status: criteria provided, single submitter. Criteria: Invitae Variant Classification Sherloc (09022015). Collection method: clinical testing. Allele origin: germline.
Comment: This sequence change replaces arginine, which is basic and polar, with glutamine, which is neutral and polar, at codon 128 of the GCDH protein (p.Arg128Gln). This variant is present in population databases (rs755586631, gnomAD 0.006%). This missense change has been observed in individual(s) with glutaric acidemia type I (PMID: 10699052, 15505393, 19433437, 21176883, 28438223). ClinVar contains an entry for this variant (Variation ID: 189063). Invitae Evidence Modeling of protein sequence and biophysical properties (such as structural, functional, and spatial information, amino acid conservation, physicochemical variation, residue mobility, and thermodynamic stability) indicates that this missense variant is not expected to disrupt GCDH protein function with a negative predictive value of 80%. For these reasons, this variant has been classified as Pathogenic.

Natera, Inc.
Classification: Pathogenic for Glutaric acidemia type 1. Last evaluated: 2025-10-27. Review status: criteria provided, single submitter. Criteria: Natera Variant Classification Schema (03/2026). Collection method: clinical testing. Allele origin: germline.
Comment: The c.383G>A variant in GCDH is a missense variant predicted to cause substitution of arginine to glutamine at amino acid 128. This variant is rare in the general population with a frequency below the threshold expected for the associated phenotype(s). This variant has been observed in one or more individuals affected with the associated recessive disease, as either homozygous or compound heterozygous with a second variant (PMID: 34504725, 32777384, 34490048). Computational prediction algorithms indicate this variant is likely to affect gene or protein function. Given the available evidence, this variant is classified as Pathogenic.

3billion
Classification: Pathogenic for Glutaric aciduria, type 1. Last evaluated: 2023-11-27. Review status: criteria provided, single submitter. Criteria: ACMG Guidelines, 2015. Collection method: clinical testing. Allele origin: germline. Affected: yes.
Comment: The variant is observed at an extremely low frequency in the gnomAD v2.1.1 dataset (total allele frequency: 0.002%). Predicted Consequence/Location: Missense variant In silico tool predictions suggest damaging effect of the variant on gene or gene product [REVEL: 0.95 (>=0.6, sensitivity 0.68 and specificity 0.92); 3Cnet: 0.94 (>=0.6, sensitivity 0.72 and precision 0.9)]. Same nucleotide change resulting in same amino acid change has been previously reported as pathogenic/likely pathogenic with strong evidence (ClinVar ID: VCV000189063 /PMID: 10699052). The variant has been reported to be in trans with a pathogenic variant as either compound heterozygous or homozygous in at least one similarly affected unrelated individual (PMID: 10699052, 15505393, 19433437, 21176883, 28438223). A different missense change at the same codon (p.Arg128Gly) has been reported to be associated with GCDH-related disorder (PMID: 9711871). However the evidence of pathogenicity is insufficient at this time. Therefore, this variant is classified as Pathogenic according to the recommendation of ACMG/AMP guideline.

Women's Health and Genetics/Laboratory Corporation of America, LabCorp
Classification: Pathogenic for Glutaric aciduria, type 1. Last evaluated: 2022-04-08. Review status: criteria provided, single submitter. Criteria: LabCorp Variant Classification Summary - May 2015. Collection method: clinical testing. Allele origin: germline.
Comment: Variant summary: GCDH c.383G>A (p.Arg128Gln) results in a conservative amino acid change located in the Acyl-CoA dehydrogenase/oxidase, N-terminal domain (IPR013786) of the encoded protein sequence. Three of five in-silico tools predict a damaging effect of the variant on protein function. The variant allele was found at a frequency of 2.4e-05 in 251442 control chromosomes (gnomAD). c.383G>A has been reported in the literature in multiple individuals affected with Glutaric Acidemia Type 1, including at least 3 homozygotes (Zschocke_2000, Boy_2017, Tamhankar_2020) and several compound heterozygotes (e.g. Zschocke_2000, Mushimoto_2011, Boy_2017). These data indicate that the variant is very likely to be associated with disease. To our knowledge, no experimental evidence demonstrating an impact on protein function has been reported. Four ClinVar submitters have assessed the variant since 2014: two have classified the variant as likely pathogenic and two as pathogenic. Based on the evidence outlined above, the variant was classified as pathogenic.

Revvity Omics, Revvity
Classification: Likely pathogenic for Glutaric aciduria, type 1. Last evaluated: 2021-10-07. Review status: criteria provided, single submitter. Criteria: ACMG Guidelines, 2015. Collection method: clinical testing. Allele origin: germline.

Victorian Clinical Genetics Services, Murdoch Childrens Research Institute
Classification: Pathogenic for Glutaric aciduria, type 1. Last evaluated: 2020-10-19. Review status: criteria provided, single submitter. Criteria: ACMG Guidelines, 2015. Collection method: clinical testing. Allele origin: germline. Inheritance: Autosomal recessive inheritance. Affected: yes.
Comment: Based on the classification scheme VCGS_Germline_v1.3.3, this variant is classified as 5-Pathogenic. Following criteria are met: 0102 - Loss of function is a known mechanism of disease in this gene and is associated with glutaricaciduria, type I (MIM#231670). Dominant-negative has also been suggested as a mechanism for this gene, however, there is currently limited evidence demonstrating this (GeneReviews). (I) 0106 - This gene is associated with autosomal recessive disease. (I) 0115 - Variants in this gene are known to have variable expressivity (GeneReviews). 0200 - Variant is predicted to result in a missense amino acid change from arginine to glutamine. (I) 0251 - This variant is heterozygous. (I) 0304 - Variant is present in gnomAD (v2) <0.01 for a recessive condition (6 heterozygotes, 0 homozygotes). (SP) 0502 - Missense variant with conflicting in silico predictions and uninformative conservation. (I) 0600 - Variant is located in the annotated Acyl-CoA dehydrogenase, N-terminal domain (PDB). (I) 0704 - Another missense variant comparable to the one identified in this case has limited previous evidence for pathogenicity. The p.(Arg128Gly) variant has informative conservation and has been previously been reported as a pathogenic variant (PMID: 9711871). (N) 0801 - This variant has strong previous evidence of pathogenicity in unrelated individuals. This variant has been identified in multiple individuals with glutaricaciduria, type I (MIM#231670) (PMIDs: 18459892; 10699052; 21176883; 31062211; 32508882) (SP). 1101 - Very strong and specific phenotype match for this individual. (SP) 1208 - Inheritance information for this variant is not currently available in this individual. (I) Legend: (SP) - Supporting pathogenic, (I) - Information, (SB) - Supporting benign

Fulgent Genetics
Classification: Likely pathogenic for Glutaric aciduria, type 1. Last evaluated: 2018-10-31. Review status: criteria provided, single submitter. Criteria: ACMG Guidelines, 2015. Collection method: clinical testing. Allele origin: unknown.

Juno Genomics, Hangzhou Juno Genomics, Inc
Classification: Pathogenic for Glutaric aciduria, type 1. Review status: criteria provided, single submitter. Criteria: ACMG Guidelines, 2015. Collection method: clinical testing. Allele origin: germline.
Comment: Absent from controls (or at extremely low frequency if recessive) in Genome Aggregation Database.;Multiple lines of computational evidence support a deleterious effect on the gene or gene product.;For recessive disorders, detected in trans with a pathogenic variant.

Counsyl
Classification: Likely pathogenic for Glutaric aciduria, type 1. Last evaluated: 2014-11-14. Review status: no assertion criteria provided. Collection method: literature only. Allele origin: unknown. Inheritance: Autosomal recessive inheritance. Not counted in ClinVar's aggregate classification.

Literature cited by the submitters: PubMed 10699052 (cited by 5 submitters); PubMed 15505393 (cited by Labcorp Genetics (formerly Invitae), Labcorp and 3billion); PubMed 19433437 (cited by 3 submitters); PubMed 21176883 (cited by 5 submitters); PubMed 28438223 (cited by 3 submitters); PubMed 34504725 (cited by Natera, Inc. and Women's Health and Genetics/Laboratory Corporation of America, LabCorp); PubMed 32777384 (cited by Natera, Inc.); PubMed 34490048 (cited by Natera, Inc.); PubMed 9711871 (cited by 3billion and Victorian Clinical Genetics Services, Murdoch Childrens Research Institute); PubMed 18459892 (cited by Victorian Clinical Genetics Services, Murdoch Childrens Research Institute and Counsyl); PubMed 31062211 (cited by Victorian Clinical Genetics Services, Murdoch Childrens Research Institute); PubMed 32508882 (cited by Victorian Clinical Genetics Services, Murdoch Childrens Research Institute); PubMed 25255367 (cited by Counsyl); PubMed 18683078 (cited by Counsyl).